The following is an entry in ClinVar:

NM_002454.3(MTRR):c.1047_1049del (p.Lys352del)

Gene: MTRR (5-methyltetrahydrofolate-homocysteine methyltransferase reductase; plus strand). Cytogenetic location: 5p15.31.
Variant type: Deletion.
Coding change: c.1047_1049del on transcript NM_002454.3 (MANE Select); coding-DNA positions 1047 to 1049, 3 bases deleted (AAA; older notation c.1047_1049delAAA).
Protein change: p.Lys352del; deletes lysine 352.
Molecular consequence: inframe deletion. On other transcripts: non-coding transcript variant (14).
Genome position (GRCh38, 1-based): chr5:7,885,844-7,885,846, AAA deleted. VCF-style (leftmost placement, unchanged base first): chr5-7885843-CAAA-C. GRCh37 (hg19) VCF-style: chr5-7885956-CAAA-C.
Other names: c.1047_1049del, p.Lys352del (NM_001364440.2, NM_001364441.2, NM_001364442.2 and 1 more transcripts); short protein forms K352del.
Identifiers: ClinVar variation 2182493 (VCV002182493.1), dbSNP rs753956094, ClinGen allele CA3195791.

ClinVar aggregate classification (germline): Uncertain significance (1 of 4 stars; one submission).

Conditions:
Methylcobalamin deficiency type cblE (HMAE). Also called: VITAMIN B12-RESPONSIVE HOMOCYSTINURIA, cblE TYPE; HOMOCYSTINURIA-MEGALOBLASTIC ANEMIA, cblE COMPLEMENTATION TYPE; HOMOCYSTINURIA-MEGALOBLASTIC ANEMIA, cblE TYPE. Identifiers: Orphanet 2169, Orphanet 622, MedGen C1856057, MONDO:0009354, OMIM 236270.

Allele frequency attached by ClinVar (database versions not stated): gnomAD exomes 0.00001; gnomAD 0.00002; ExAC 0.00005.

Submission:

Labcorp Genetics (formerly Invitae), Labcorp
Classification: Uncertain significance for Methylcobalamin deficiency type cblE. Last evaluated: 2022-05-03. Review status: criteria provided, single submitter. Criteria: Invitae Variant Classification Sherloc (09022015). Collection method: clinical testing. Allele origin: germline.
Comment: This variant, c.1047_1049del, results in the deletion of 1 amino acid(s) of the MTRR protein (p.Lys352del), but otherwise preserves the integrity of the reading frame. This variant is present in population databases (rs753956094, gnomAD 0.03%). This variant has not been reported in the literature in individuals affected with MTRR-related conditions. Experimental studies and prediction algorithms are not available or were not evaluated, and the functional significance of this variant is currently unknown. In summary, the available evidence is currently insufficient to determine the role of this variant in disease. Therefore, it has been classified as a Variant of Uncertain Significance.